The following is an entry in ClinVar:

NM_002230.4(JUP):c.1509C>T (p.Gly503=)

Gene: JUP (junction plakoglobin; minus strand). Cytogenetic location: 17q21.2.
Variant type: single nucleotide variant.
Coding change: c.1509C>T on transcript NM_002230.4 (MANE Select); coding-DNA position 1509, C replaced by T.
Protein change: p.Gly503=; no amino-acid change (glycine 503 retained).
Molecular consequence: synonymous variant.
Genome position (GRCh38, 1-based): chr17:41,758,859, G>A on the plus strand (C>T on the coding strand, the complement: JUP is on the minus strand). VCF-style: chr17-41758859-G-A. GRCh37 (hg19) VCF-style: chr17-39915111-G-A.
Other names: c.1509C>T, p.Gly503= (NM_001352773.2, NM_001352774.2, NM_001352775.2 and 3 more transcripts).
Identifiers: ClinVar variation 509989 (VCV000509989.10), dbSNP rs782445315, ClinGen allele CA8565193.

ClinVar aggregate classification (germline): Likely benign. Review status: criteria provided, multiple submitters, no conflicts (2 of 4 stars). 3 submissions from 3 submitters: Likely benign (3). Last evaluated 2025-11-12.

Conditions:
Cardiovascular phenotype. Identifiers: MedGen CN230736.
Naxos disease (NXD). Also called: KERATOSIS PALMOPLANTARIS WITH ARRHYTHMOGENIC CARDIOMYOPATHY; CARDIOMYOPATHY, ARRHYTHMOGENIC RIGHT VENTRICULAR, WITH SKIN, HAIR, AND NAIL ABNORMALITIES; PALMOPLANTAR KERATODERMA WITH ARRHYTHMOGENIC RIGHT VENTRICULAR CARDIOMYOPATHY AND WOOLLY HAIR; WOOLLY HAIR, PALMOPLANTAR KERATODERMA, AND CARDIAC ABNORMALITIES; MAL DE NAXOS. Identifiers: Orphanet 34217, MedGen C1832600, MONDO:0011017, OMIM 601214.
Arrhythmogenic right ventricular dysplasia 12. Also called: ARRHYTHMOGENIC RIGHT VENTRICULAR DYSPLASIA, FAMILIAL, 12. Identifiers: MedGen C1969081, MONDO:0012684, OMIM 611528.

Allele frequency attached by ClinVar (database versions not stated): gnomAD exomes below 0.00001; ExAC 0.00001; TOPMed 0.00002.
gnomAD v4.1: 2 of 1,606,808 alleles (0.00012%); highest among the groups gnomAD compares: Non-Finnish European, 0.00017%; no homozygotes.

Submissions (3):

Labcorp Genetics (formerly Invitae), Labcorp
Classification: Likely benign for Arrhythmogenic right ventricular dysplasia 12; Naxos disease. Last evaluated: 2025-11-12. Review status: criteria provided, single submitter. Criteria: Invitae Variant Classification Sherloc (09022015). Collection method: clinical testing. Allele origin: germline.

Ambry Genetics
Classification: Likely benign for Cardiovascular phenotype. Last evaluated: 2021-10-19. Review status: criteria provided, single submitter. Criteria: Ambry Variant Classification Scheme 2023. Collection method: clinical testing. Allele origin: germline.

GeneDx
Classification: Likely benign. Last evaluated: 2017-06-06. Review status: criteria provided, single submitter. Criteria: GeneDx Variant Classification (06012015). Collection method: clinical testing. Allele origin: germline. Affected: yes.
Comment: This variant is considered likely benign or benign based on one or more of the following criteria: it is a conservative change, it occurs at a poorly conserved position in the protein, it is predicted to be benign by multiple in silico algorithms, and/or has population frequency not consistent with disease.